The following is an entry in ClinVar:

ClinVar aggregate classification (germline): Uncertain significance. Review status: criteria provided, multiple submitters, no conflicts (2 of 4 stars). 2 submissions from 2 submitters: Uncertain significance (2). Last evaluated 2024-10-11.

Conditions:
Intellectual disability. Also called: intellectual disabilities; Intellectual developmental disorder; Intellectual functioning disability. Identifiers: MedGen C3714756, MeSH D008607, MONDO:0001071, HP:0001249.
Syndromic X-linked intellectual disability 94 (MRXSW). Also called: MENTAL RETARDATION, X-LINKED, SYNDROMIC 29; X-linked intellectual disability due to GRIA3 anomalies. Identifiers: Orphanet 364028, MedGen C2678051, MONDO:0010402, OMIM 300699.

Submissions (2):

3billion
Classification: Uncertain significance for Syndromic X-linked intellectual disability 94. Last evaluated: 2024-10-11. Review status: criteria provided, single submitter. Criteria: ACMG Guidelines, 2015. Collection method: clinical testing. Allele origin: germline. Affected: yes.
Comment: The variant is not observed in the gnomAD v4.1.0 dataset. Predicted Consequence/Location: Missense variant. Missense changes are a common disease-causing mechanism. In silico tool predictions suggest damaging effect of the variant on gene or gene product [REVEL: 0.96 (>=0.6, sensitivity 0.68 and specificity 0.92); 3Cnet: 0.99 (>=0.6, sensitivity 0.72 and precision 0.9)]. The variant has been reported as of uncertain significance (ClinVar ID: VCV000981270). Therefore, this variant is classified as VUS according to the recommendation of ACMG/AMP guideline.

Diagnostic Laboratory, Strasbourg University Hospital
Classification: Uncertain significance for Intellectual disability. Last evaluated: 2020-09-10. Review status: criteria provided, single submitter. Criteria: ACMG Guidelines, 2015. Collection method: clinical testing. Allele origin: maternal. Affected: yes. Observed: 1 hemizygote.

NM_007325.5(GRIA3):c.1474G>A (p.Gly492Ser)

Gene: GRIA3 (glutamate ionotropic receptor AMPA type subunit 3; plus strand). Cytogenetic location: Xq25.
Variant type: single nucleotide variant.
Coding change: c.1474G>A on transcript NM_007325.5 (MANE Select); coding-DNA position 1474, G replaced by A.
Protein change: p.Gly492Ser; replaces glycine 492 with serine.
Molecular consequence: missense variant.
Genome position (GRCh38, 1-based): chrX:123,404,888, G>A. VCF-style: chrX-123404888-G-A. GRCh37 (hg19) VCF-style: chrX-122538739-G-A.
Other names: c.1474G>A, p.Gly492Ser (NM_000828.5); short protein forms G492S.
Identifiers: ClinVar variation 981270 (VCV000981270.2), dbSNP rs2045463858, ClinGen allele CA414259307.
Genomic context (GRCh38, chrX:123,404,888, plus strand): 5'-TTGTCCATCGTTGGTGACGGGAAATATGGTGCAAGGGATCCAGAGACTAAAATATGGAAC[G>A]GCATGGTTGGGGAACTTGTCTATGGGGTGAGTTTTTTCCAATTCTGTTTTCATTTATTCT-3'
Protein context (NP_015564.5, residues 482-502): ARDPETKIWN[Gly492Ser]MVGELVYGRA